The following is an entry in ClinVar:

ClinVar aggregate classification (germline): Pathogenic (1 of 4 stars; one submission).

Conditions:
Duchenne muscular dystrophy (DMD). Also called: MUSCULAR DYSTROPHY, PSEUDOHYPERTROPHIC PROGRESSIVE, DUCHENNE TYPE; Duchenne Muscular Dystrophy (DMD). Identifiers: Orphanet 98896, MedGen C0013264, MONDO:0010679, OMIM 310200.

Submission:

Labcorp Genetics (formerly Invitae), Labcorp
Classification: Pathogenic for Duchenne muscular dystrophy. Last evaluated: 2024-05-08. Review status: criteria provided, single submitter. Criteria: Invitae Variant Classification Sherloc (09022015). Collection method: clinical testing. Allele origin: germline.
Comment: This sequence change creates a premature translational stop signal (p.Leu1216Thrfs*4) in the DMD gene. It is expected to result in an absent or disrupted protein product. Loss-of-function variants in DMD are known to be pathogenic (PMID: 16770791, 25007885). This variant is not present in population databases (gnomAD no frequency). This variant has not been reported in the literature in individuals affected with DMD-related conditions. ClinVar contains an entry for this variant (Variation ID: 1409291). For these reasons, this variant has been classified as Pathogenic.

Literature cited by the submitters: PubMed 16770791; PubMed 25007885.

NM_004006.3(DMD):c.3645dup (p.Leu1216fs)

Gene: DMD (dystrophin; minus strand). Cytogenetic location: Xp21.1.
Variant type: Duplication.
Coding change: c.3645dup on transcript NM_004006.3 (MANE Select); coding-DNA position 3645, one base duplicated (A; older notation c.3645dupA).
Protein change: p.Leu1216fs; shifts the reading frame from leucine 1216.
Molecular consequence: frameshift variant.
Genome position (GRCh38, 1-based): chrX:32,448,597, T duplicated on the plus strand (A on the coding strand, the reverse complement: DMD is on the minus strand); the first of 3 consecutive T bases (chrX:32,448,597-32,448,599); duplicating any one gives the same sequence. VCF-style (leftmost placement, unchanged base first): chrX-32448596-G-GT. GRCh37 (hg19) VCF-style: chrX-32466713-G-GT.
Other names: c.3621dup, p.Leu1208fs (NM_000109.4); c.3633dup, p.Leu1212fs (NM_004009.3); c.3276dup, p.Leu1093fs (NM_004010.3); short protein forms L1216fs, L1093fs, L1208fs, L1212fs.
Identifiers: ClinVar variation 1409291 (VCV001409291.6), dbSNP rs2148288724, ClinGen allele CA2573158572.